The following is an entry in ClinVar:

ClinVar aggregate classification (germline): Benign (1 of 4 stars; one submission).

Allele frequency attached by ClinVar (database versions not stated): 1000 Genomes Project 30x 0.24297; 1000 Genomes Project 0.24840; TOPMed 0.26870; gnomAD 0.27939 and 0.28098.
gnomAD v4.1: 42,762 of 151,936 alleles (28%); highest among the groups gnomAD compares: Non-Finnish European, 37%; 7,173 homozygotes.

Submission:

GeneDx
Classification: Benign. Last evaluated: 2018-06-14. Review status: criteria provided, single submitter. Criteria: GeneDx Variant Classification (06012015). Collection method: clinical testing. Allele origin: germline. Affected: yes.
Comment: This variant is considered likely benign or benign based on one or more of the following criteria: it is a conservative change, it occurs at a poorly conserved position in the protein, it is predicted to be benign by multiple in silico algorithms, and/or has population frequency not consistent with disease.

NM_002291.3(LAMB1):c.2855-350C>T

Gene: LAMB1 (laminin subunit beta 1; minus strand). Cytogenetic location: 7q31.1.
Variant type: single nucleotide variant.
Coding change: c.2855-350C>T on transcript NM_002291.3 (MANE Select); 350 bases into the intron before coding-DNA position 2855, C replaced by T.
Molecular consequence: intron variant.
Genome position (GRCh38, 1-based): chr7:107,954,104, G>A on the plus strand (C>T on the coding strand, the complement: LAMB1 is on the minus strand). VCF-style: chr7-107954104-G-A. GRCh37 (hg19) VCF-style: chr7-107594549-G-A.
Identifiers: ClinVar variation 681233 (VCV000681233.1), dbSNP rs13247850, ClinGen allele CA12595693.
Genomic context (GRCh38, chr7:107,954,104, plus strand): 5'-GACAGTTAGGTCCTAGCACATGAGACTTTAGCTTCTGAGCACATGGGGGTGGAGCATGTT[G>A]GGAGCAAACTAACAATGTAAAGCATAGCTTCATGTAGAAATCCTAATCCAAGGATTACAT-3'